The following is an entry in ClinVar:

NM_001184.4(ATR):c.7913T>C (p.Leu2638Pro)

Gene: ATR (ATR checkpoint kinase; minus strand). Cytogenetic location: 3q23.
Variant type: single nucleotide variant.
Coding change: c.7913T>C on transcript NM_001184.4 (MANE Select); coding-DNA position 7913, T replaced by C.
Protein change: p.Leu2638Pro; replaces leucine 2638 with proline.
Molecular consequence: missense variant.
Genome position (GRCh38, 1-based): chr3:142,449,451, A>G on the plus strand (T>C on the coding strand, the complement: ATR is on the minus strand). VCF-style: chr3-142449451-A-G. GRCh37 (hg19) VCF-style: chr3-142168293-A-G.
Other names: c.7721T>C, p.Leu2574Pro (NM_001354579.2); short protein forms L2574P, L2638P.
Identifiers: ClinVar variation 2567793 (VCV002567793.2), dbSNP rs2473008585, ClinGen allele CA354793657.

ClinVar aggregate classification (germline): Uncertain significance (1 of 4 stars; one submission).

Conditions:
Inborn genetic diseases. Identifiers: MedGen C0950123, MeSH D030342.

Submission:

Ambry Genetics
Classification: Uncertain significance for Inborn genetic diseases. Last evaluated: 2023-03-31. Review status: criteria provided, single submitter. Criteria: Ambry Variant Classification Scheme 2023. Collection method: clinical testing. Allele origin: germline.
Comment: The p.L2638P variant (also known as c.7913T>C), located in coding exon 47 of the ATR gene, results from a T to C substitution at nucleotide position 7913. The leucine at codon 2638 is replaced by proline, an amino acid with similar properties. This amino acid position is conserved. In addition, this alteration is predicted to be deleterious by in silico analysis. Since supporting evidence is limited at this time, the clinical significance of this alteration remains unclear.